The following is an entry in ClinVar:

ClinVar aggregate classification (germline): Uncertain significance (1 of 4 stars; one submission).

Submission:

GeneDx
Classification: Uncertain significance. Last evaluated: 2025-01-29. Review status: criteria provided, single submitter. Criteria: GeneDx Variant Classification Process June 2021. Collection method: clinical testing. Allele origin: germline. Affected: yes.
Comment: Not observed at significant frequency in large population cohorts (gnomAD); In silico analysis supports that this missense variant has a deleterious effect on protein structure/function; Has not been previously published as pathogenic or benign to our knowledge

NM_014991.6(WDFY3):c.4093C>G (p.Pro1365Ala)

Gene: WDFY3 (WD repeat and FYVE domain containing 3; minus strand). Cytogenetic location: 4q21.23.
Variant type: single nucleotide variant.
Coding change: c.4093C>G on transcript NM_014991.6 (MANE Select); coding-DNA position 4093, C replaced by G.
Protein change: p.Pro1365Ala; replaces proline 1365 with alanine.
Molecular consequence: missense variant.
Genome position (GRCh38, 1-based): chr4:84,783,044, G>C on the plus strand (C>G on the coding strand, the complement: WDFY3 is on the minus strand). VCF-style: chr4-84783044-G-C. GRCh37 (hg19) VCF-style: chr4-85704197-G-C.
Other names: short protein forms P1365A.
Identifiers: ClinVar variation 4072546 (VCV004072546.1).
Genomic context (GRCh38, chr4:84,783,044, plus strand): 5'-CCCCAATTGTCCGTGCAGATCCATTAAGATGTCCTGCTGAATTGTGTATCAACTTCACAG[G>C]AGTGGCATTCTCATGTGAGGAAATGCCTAACTGAAAAATAGGAAAGGAAAAGAATGTAAT-3'
Protein context (NP_055806.2, residues 1355-1375): LGISSHENAT[Pro1365Ala]VKLIHNSAGH